The following is an entry in ClinVar:

NM_002609.4(PDGFRB):c.1106C>T (p.Thr369Met)

Gene: PDGFRB (platelet derived growth factor receptor beta; minus strand). Cytogenetic location: 5q32.
Variant type: single nucleotide variant.
Coding change: c.1106C>T on transcript NM_002609.4 (MANE Select); coding-DNA position 1106, C replaced by T.
Protein change: p.Thr369Met; replaces threonine 369 with methionine.
Molecular consequence: missense variant.
Genome position (GRCh38, 1-based): chr5:150,132,771, G>A on the plus strand (C>T on the coding strand, the complement: PDGFRB is on the minus strand). VCF-style: chr5-150132771-G-A. GRCh37 (hg19) VCF-style: chr5-149512334-G-A.
Other names: c.914C>T, p.Thr305Met (NM_001355016.2); c.623C>T, p.Thr208Met (NM_001355017.2); short protein forms T208M, T369M, T305M.
Identifiers: ClinVar variation 2367685 (VCV002367685.5), dbSNP rs375343084, ClinGen allele CA3508105.

ClinVar aggregate classification (germline): Uncertain significance. Review status: criteria provided, multiple submitters, no conflicts (2 of 4 stars). 2 submissions from 2 submitters: Uncertain significance (2). Last evaluated 2026-07-01.

Conditions:
Skeletal overgrowth-craniofacial dysmorphism-hyperelastic skin-white matter lesions syndrome. Also called: SKELETAL OVERGROWTH WITH FACIAL DYSMORPHISM, HYPERELASTIC SKIN, WHITE MATTER LESIONS, AND NEUROLOGIC DETERIORATION; Kosaki overgrowth syndrome. Identifiers: Orphanet 477831, MedGen C4225270, MONDO:0014704, OMIM 616592.
Infantile myofibromatosis (IMF). Also called: Congenital generalized fibromatosis. Identifiers: Orphanet 2591, MedGen C0432284, MONDO:0016824.
Basal ganglia calcification, idiopathic, 4 (PFBC4). Also called: Familial Idiopathic Basal Ganglia Calcification 4; PRIMARY FAMILIAL BRAIN CALCIFICATION 4, AUTOSOMAL DOMINANT. Identifiers: Orphanet 1980, MedGen C3554321, MONDO:0014004, OMIM 615007.
Acroosteolysis-keloid-like lesions-premature aging syndrome. Also called: Progeroid syndrome, Penttinen type; Premature aging syndrome, Penttinen type; Prematurely aged appearance, delayed bone maturation, acro-osteolysis, and brachydactyly. Identifiers: Orphanet 363665, MedGen C1866182, MONDO:0011150, OMIM 601812.
Inborn genetic diseases. Identifiers: MedGen C0950123, MeSH D030342.

Allele frequency attached by ClinVar (database versions not stated): ExAC 0.00003; gnomAD 0.00006; ESP Exome Variant Server 0.00008; gnomAD exomes 0.00008.
gnomAD v4.1: 117 of 1,613,096 alleles (0.0073%); highest among the groups gnomAD compares: Middle Eastern, 0.016%; no homozygotes.

Submissions (2):

Ambry Genetics
Classification: Uncertain significance for Inborn genetic diseases. Last evaluated: 2026-07-01. Review status: criteria provided, single submitter. Criteria: Ambry Variant Classification Scheme 2023. Collection method: clinical testing. Allele origin: germline.
Comment: The p.T369M variant (also known as c.1106C>T), located in coding exon 6 of the PDGFRB gene, results from a C to T substitution at nucleotide position 1106. The threonine at codon 369 is replaced by methionine, an amino acid with similar properties. This amino acid position is conserved. In addition, this alteration is predicted to be tolerated by in silico analysis. Based on the available evidence, the clinical significance of this variant remains unclear.

Labcorp Genetics (formerly Invitae), Labcorp
Classification: Uncertain significance for Basal ganglia calcification, idiopathic, 4; Skeletal overgrowth-craniofacial dysmorphism-hyperelastic skin-white matter lesions syndrome; Infantile myofibromatosis; Acroosteolysis-keloid-like lesions-premature aging syndrome. Last evaluated: 2024-03-18. Review status: criteria provided, single submitter. Criteria: Invitae Variant Classification Sherloc (09022015). Collection method: clinical testing. Allele origin: germline.
Comment: This sequence change replaces threonine, which is neutral and polar, with methionine, which is neutral and non-polar, at codon 369 of the PDGFRB protein (p.Thr369Met). This variant is present in population databases (rs375343084, gnomAD 0.007%). This variant has not been reported in the literature in individuals affected with PDGFRB-related conditions. ClinVar contains an entry for this variant (Variation ID: 2367685). Advanced modeling of protein sequence and biophysical properties (such as structural, functional, and spatial information, amino acid conservation, physicochemical variation, residue mobility, and thermodynamic stability) performed at Invitae indicates that this missense variant is not expected to disrupt PDGFRB protein function with a negative predictive value of 80%. In summary, the available evidence is currently insufficient to determine the role of this variant in disease. Therefore, it has been classified as a Variant of Uncertain Significance.